The following is an entry in ClinVar:

NM_001378454.1(ALMS1):c.12437G>A (p.Arg4146Gln)

Gene: ALMS1 (ALMS1 centrosome and basal body associated protein; plus strand). Cytogenetic location: 2p13.1.
Variant type: single nucleotide variant.
Coding change: c.12437G>A on transcript NM_001378454.1 (MANE Select); coding-DNA position 12437, G replaced by A.
Protein change: p.Arg4146Gln; replaces arginine 4146 with glutamine.
Molecular consequence: missense variant.
Genome position (GRCh38, 1-based): chr2:73,608,549, G>A. VCF-style: chr2-73608549-G-A. GRCh37 (hg19) VCF-style: chr2-73835676-G-A.
Other names: c.12440G>A, p.Arg4147Gln (NM_015120.4); short protein forms R4146Q, R4147Q.
Identifiers: ClinVar variation 1759004 (VCV001759004.14), dbSNP rs141665136, ClinGen allele CA1715578.

ClinVar aggregate classification (germline): Uncertain significance. Review status: criteria provided, multiple submitters, no conflicts (2 of 4 stars). 4 submissions from 4 submitters: Uncertain significance (4). Last evaluated 2025-10-18.

Conditions:
Cardiovascular phenotype. Identifiers: MedGen CN230736.
Alstrom syndrome (ALMS). Identifiers: Orphanet 64, MedGen C0268425, MONDO:0008763, OMIM 203800.

Allele frequency attached by ClinVar (database versions not stated): ExAC 0.00002; 1000 Genomes Project 30x 0.00016; 1000 Genomes Project 0.00020.
gnomAD v4.1: 31 of 1,613,956 alleles (0.0019%); highest among the groups gnomAD compares: Middle Eastern, 0.017%; no homozygotes.

Submissions (4):

Women's Health and Genetics/Laboratory Corporation of America, LabCorp
Classification: Uncertain significance. Last evaluated: 2025-10-18. Review status: criteria provided, single submitter. Criteria: LabCorp Variant Classification Summary - May 2015. Collection method: clinical testing. Allele origin: germline.

CeGaT Center for Human Genetics Tuebingen
Classification: Uncertain significance. Last evaluated: 2025-07-01. Review status: criteria provided, single submitter. Criteria: CeGaT Center For Human Genetics Tuebingen Variant Classification Criteria Version 2. Collection method: clinical testing. Allele origin: germline. Affected: yes. Observed: 1 variant allele.
Comment: ALMS1: PM2:Supporting, BP4

Ambry Genetics
Classification: Uncertain significance for Cardiovascular phenotype. Last evaluated: 2025-02-12. Review status: criteria provided, single submitter. Criteria: Ambry Variant Classification Scheme 2023. Collection method: clinical testing. Allele origin: germline.
Comment: The p.R4147Q variant (also known as c.12440G>A), located in coding exon 22 of the ALMS1 gene, results from a G to A substitution at nucleotide position 12440. The arginine at codon 4147 is replaced by glutamine, an amino acid with highly similar properties. This amino acid position is well conserved in available vertebrate species. In addition, the in silico prediction for this alteration is inconclusive. Based on the available evidence, the clinical significance of this variant remains unclear.

Labcorp Genetics (formerly Invitae), Labcorp
Classification: Uncertain significance for Alstrom syndrome. Last evaluated: 2022-10-13. Review status: criteria provided, single submitter. Criteria: Invitae Variant Classification Sherloc (09022015). Collection method: clinical testing. Allele origin: germline.
Comment: This sequence change replaces arginine, which is basic and polar, with glutamine, which is neutral and polar, at codon 4147 of the ALMS1 protein (p.Arg4147Gln). This variant is present in population databases (rs141665136, gnomAD 0.009%). This variant has not been reported in the literature in individuals affected with ALMS1-related conditions. Experimental studies and prediction algorithms are not available or were not evaluated, and the functional significance of this variant is currently unknown. In summary, the available evidence is currently insufficient to determine the role of this variant in disease. Therefore, it has been classified as a Variant of Uncertain Significance.